The following is an entry in ClinVar:

ClinVar aggregate classification (germline): Uncertain significance (1 of 4 stars; one submission).

Conditions:
Colorectal cancer, hereditary nonpolyposis, type 7. Identifiers: Orphanet 144, MedGen C1858380, MONDO:0013725, OMIM 614385.

Submission:

Labcorp Genetics (formerly Invitae), Labcorp
Classification: Uncertain significance for Colorectal cancer, hereditary nonpolyposis, type 7. Last evaluated: 2024-07-19. Review status: criteria provided, single submitter. Criteria: Invitae Variant Classification Sherloc (09022015). Collection method: clinical testing. Allele origin: germline.
Comment: This sequence change replaces arginine, which is basic and polar, with serine, which is neutral and polar, at codon 1423 of the MLH3 protein (p.Arg1423Ser). This variant is not present in population databases (gnomAD no frequency). This variant has not been reported in the literature in individuals affected with MLH3-related conditions. An algorithm developed to predict the effect of missense changes on protein structure and function (PolyPhen-2) suggests that this variant is likely to be disruptive. Algorithms developed to predict the effect of sequence changes on RNA splicing suggest that this variant may disrupt the consensus splice site. In summary, the available evidence is currently insufficient to determine the role of this variant in disease. Therefore, it has been classified as a Variant of Uncertain Significance.

NM_001040108.2(MLH3):c.4267C>A (p.Arg1423Ser)

Gene: MLH3 (mutL homolog 3; minus strand). Cytogenetic location: 14q24.3.
Variant type: single nucleotide variant.
Coding change: c.4267C>A on transcript NM_001040108.2 (MANE Select); coding-DNA position 4267, C replaced by A.
Protein change: p.Arg1423Ser; replaces arginine 1423 with serine.
Molecular consequence: missense variant.
Genome position (GRCh38, 1-based): chr14:75,017,177, G>T on the plus strand (C>A on the coding strand, the complement: MLH3 is on the minus strand). VCF-style: chr14-75017177-G-T. GRCh37 (hg19) VCF-style: chr14-75483880-G-T.
Other names: c.4195C>A, p.Arg1399Ser (NM_014381.3); short protein forms R1399S, R1423S.
Identifiers: ClinVar variation 3668998 (VCV003668998.2).